The following is an entry in ClinVar:

NM_004655.4(AXIN2):c.731del (p.Ser244fs)

Gene: AXIN2 (axin 2; minus strand). Cytogenetic location: 17q24.1.
Variant type: Deletion.
Coding change: c.731del on transcript NM_004655.4 (MANE Select); coding-DNA position 731, one base deleted (C; older notation c.731delC).
Protein change: p.Ser244fs; shifts the reading frame from serine 244.
Molecular consequence: frameshift variant.
Genome position (GRCh38, 1-based): chr17:65,557,890, G deleted on the plus strand (C on the coding strand, the reverse complement: AXIN2 is on the minus strand). VCF-style (leftmost placement, unchanged base first): chr17-65557889-CG-C. GRCh37 (hg19) VCF-style: chr17-63554007-CG-C.
Other names: c.731del, p.Ser244fs (NM_001363813.1); short protein forms S244fs.
Identifiers: ClinVar variation 1075358 (VCV001075358.8), dbSNP rs2144582634, ClinGen allele CA2499224854.

ClinVar aggregate classification (germline): Pathogenic. Review status: criteria provided, multiple submitters, no conflicts (2 of 4 stars). 2 submissions from 2 submitters: Pathogenic (2). Last evaluated 2023-05-17.

Conditions:
Oligodontia-cancer predisposition syndrome. Also called: TOOTH AGENESIS-COLORECTAL CANCER SYNDROME. Identifiers: Orphanet 300576, MedGen C1837750, MONDO:0012075, OMIM 608615. Disease mechanism: loss of function.

Submissions (2):

Myriad Genetics, Inc.
Classification: Pathogenic for Oligodontia-cancer predisposition syndrome. Last evaluated: 2023-05-17. Review status: criteria provided, single submitter. Criteria: Myriad Autosomal Dominant, Autosomal Recessive and X-Linked Classification Criteria (2023). Collection method: clinical testing. Allele origin: unknown.
Comment: This variant is considered pathogenic. This variant creates a frameshift predicted to result in premature protein truncation.

Labcorp Genetics (formerly Invitae), Labcorp
Classification: Pathogenic for Oligodontia-cancer predisposition syndrome. Last evaluated: 2020-09-16. Review status: criteria provided, single submitter. Criteria: Invitae Variant Classification Sherloc (09022015). Collection method: clinical testing. Allele origin: germline.
Comment: This variant has not been reported in the literature in individuals with AXIN2-related conditions. For these reasons, this variant has been classified as Pathogenic. Loss-of-function variants in AXIN2 are known to be pathogenic (PMID: 15042511, 21416598). This variant is not present in population databases (ExAC no frequency). This sequence change creates a premature translational stop signal (p.Ser244Cysfs*12) in the AXIN2 gene. It is expected to result in an absent or disrupted protein product.

Literature cited by the submitters: PubMed 15042511 (cited by Labcorp Genetics (formerly Invitae), Labcorp); PubMed 21416598 (cited by Labcorp Genetics (formerly Invitae), Labcorp).